The following is an entry in ClinVar:

NM_170743.4(IFNLR1):c.1397C>T (p.Pro466Leu)

Gene: IFNLR1 (interferon lambda receptor 1; minus strand). Cytogenetic location: 1p36.11.
Variant type: single nucleotide variant.
Coding change: c.1397C>T on transcript NM_170743.4 (MANE Select); coding-DNA position 1397, C replaced by T.
Protein change: p.Pro466Leu; replaces proline 466 with leucine.
Molecular consequence: missense variant. On other transcripts: 3 prime UTR variant (1).
Genome position (GRCh38, 1-based): chr1:24,157,296, G>A on the plus strand (C>T on the coding strand, the complement: IFNLR1 is on the minus strand). VCF-style: chr1-24157296-G-A. GRCh37 (hg19) VCF-style: chr1-24483786-G-A.
Other names: c.1310C>T, p.Pro437Leu (NM_173064.3); c.*531C>T (NM_173065.3); short protein forms P466L, P437L.
Identifiers: ClinVar variation 4985812 (VCV004985812.1).
Genomic context (GRCh38, chr1:24,157,296, plus strand): 5'-GCCTCCTCTTCCTCCTCAGGGCTGCTTTCCCAGCAGAAGGTCAGTGTCTGAAGAGAAACT[G>A]GGGGTCCCCCAGGGACCAGATTCGGCTCCGGTGGTAAGGTGCCCCAGGTGGCCCAGGAGG-3'
Protein context (NP_734464.1, residues 456-476): PEPNLVPGGP[Pro466Leu]VSLQTLTFCW

ClinVar aggregate classification (germline): Uncertain significance (1 of 4 stars; one submission).

Conditions:
IFNLR1-related disorder. Also called: IFNLR1-related condition.

gnomAD v4.1: 6 of 1,614,038 alleles (0.00037%); highest among the groups gnomAD compares: African/African-American, 0.008%; no homozygotes.

Submission:

PreventionGenetics, part of Exact Sciences
Classification: Uncertain significance for IFNLR1-related condition. Last evaluated: 2026-06-07. Review status: criteria provided, single submitter. Criteria: ACMG Guidelines, 2015. Collection method: clinical testing. Allele origin: germline.
Comment: The IFNLR1 c.1397C>T variant is predicted to result in the amino acid substitution p.Pro466Leu. To our knowledge, this variant has not been reported in the literature. This variant is reported in 0.0062% of alleles in individuals of African descent in gnomAD. At this time, the clinical significance of this variant is uncertain due to the absence of conclusive functional and genetic evidence.